The following is an entry in ClinVar:

ClinVar aggregate classification (germline): Uncertain significance (1 of 4 stars; one submission).

Submission:

Ambry Genetics
Classification: Uncertain significance. Last evaluated: 2024-08-22. Review status: criteria provided, single submitter. Criteria: Ambry Variant Classification Scheme 2023. Collection method: clinical testing. Allele origin: germline.
Comment: The p.T558I variant (also known as c.1673C>T), located in coding exon 3 of the ALPK2 gene, results from a C to T substitution at nucleotide position 1673. The threonine at codon 558 is replaced by isoleucine, an amino acid with similar properties. This amino acid position is conserved. In addition, this alteration is predicted to be tolerated by in silico analysis. Based on the available evidence, the clinical significance of this variant remains unclear.

NM_052947.4(ALPK2):c.1673C>T (p.Thr558Ile)

Gene: ALPK2 (alpha kinase 2; minus strand). Cytogenetic location: 18q21.31.
Variant type: single nucleotide variant.
Coding change: c.1673C>T on transcript NM_052947.4 (MANE Select); coding-DNA position 1673, C replaced by T.
Protein change: p.Thr558Ile; replaces threonine 558 with isoleucine.
Molecular consequence: missense variant.
Genome position (GRCh38, 1-based): chr18:58,579,103, G>A on the plus strand (C>T on the coding strand, the complement: ALPK2 is on the minus strand). VCF-style: chr18-58579103-G-A. GRCh37 (hg19) VCF-style: chr18-56246335-G-A.
Other names: short protein forms T558I.
Identifiers: ClinVar variation 3531309 (VCV003531309.1).